The following is an entry in ClinVar:

NM_001358235.2(DCHS2):c.6148G>C (p.Glu2050Gln)

Genes: DCHS2 (dachsous cadherin-related 2; minus strand), DCHS2-AS1 (DCHS2 antisense RNA 1; plus strand). Cytogenetic location: 4q31.3.
Variant type: single nucleotide variant.
Coding change: c.6148G>C on transcript NM_001358235.2 (MANE Select); coding-DNA position 6148, G replaced by C.
Protein change: p.Glu2050Gln; replaces glutamic acid 2050 with glutamine.
Molecular consequence: missense variant.
Genome position (GRCh38, 1-based): chr4:154,298,166, C>G on the plus strand (G>C on the coding strand, the complement: DCHS2 is on the minus strand). VCF-style: chr4-154298166-C-G. GRCh37 (hg19) VCF-style: chr4-155219318-C-G.
Other names: NC_000004.11:g.155219318C>G; short protein forms E2050Q.
Identifiers: ClinVar variation 3056954 (VCV003056954.3), dbSNP rs28561984, ClinGen allele CA3112496.

ClinVar aggregate classification (germline): Benign (0 of 4 stars; one submission).

Conditions:
DCHS2-related disorder. Also called: DCHS2-related condition.

Allele frequency attached by ClinVar (database versions not stated): 1000 Genomes Project 0.08107; 1000 Genomes Project 30x 0.08745.
gnomAD v4.1: 45,410 of 1,613,878 alleles (2.8%); highest among the groups gnomAD compares: African/African-American, 23%; 2,356 homozygotes.

Submissions (15):

PreventionGenetics, part of Exact Sciences
Classification: Benign for DCHS2-related condition. Last evaluated: 2019-11-26. Review status: no assertion criteria provided. Collection method: clinical testing. Allele origin: germline.
Comment: This variant is classified as benign based on ACMG/AMP sequence variant interpretation guidelines (Richards et al. 2015 PMID: 25741868, with internal and published modifications).

Dr. Peter K. Rogan Lab, Western University
No classification provided (evidence only). Condition: Melanoma. Review status: no classification provided. Collection method: in vitro. Allele origin: not applicable. Functional consequence: retained intron. Not counted in ClinVar's aggregate classification.

Dr. Peter K. Rogan Lab, Western University
No classification provided (evidence only). Condition: Melanoma. Review status: no classification provided. Collection method: in vitro. Allele origin: not applicable. Functional consequence: retained intron. Not counted in ClinVar's aggregate classification.

Dr. Peter K. Rogan Lab, Western University
No classification provided (evidence only). Condition: Colon adenocarcinoma. Review status: no classification provided. Collection method: in vitro. Allele origin: not applicable. Functional consequence: retained intron. Not counted in ClinVar's aggregate classification.

Dr. Peter K. Rogan Lab, Western University
No classification provided (evidence only). Condition: Sarcoma. Review status: no classification provided. Collection method: in vitro. Allele origin: not applicable. Functional consequence: retained intron. Not counted in ClinVar's aggregate classification.

Dr. Peter K. Rogan Lab, Western University
No classification provided (evidence only). Condition: Thymoma. Review status: no classification provided. Collection method: in vitro. Allele origin: not applicable. Functional consequence: retained intron. Not counted in ClinVar's aggregate classification.

Dr. Peter K. Rogan Lab, Western University
No classification provided (evidence only). Condition: Adrenocortical carcinoma, hereditary. Review status: no classification provided. Collection method: in vitro. Allele origin: not applicable. Functional consequence: retained intron. Not counted in ClinVar's aggregate classification.

Dr. Peter K. Rogan Lab, Western University
No classification provided (evidence only). Condition: Adrenocortical carcinoma, hereditary. Review status: no classification provided. Collection method: in vitro. Allele origin: not applicable. Functional consequence: retained intron. Not counted in ClinVar's aggregate classification.

Dr. Peter K. Rogan Lab, Western University
No classification provided (evidence only). Condition: Uterine carcinosarcoma. Review status: no classification provided. Collection method: in vitro. Allele origin: not applicable. Functional consequence: retained intron. Not counted in ClinVar's aggregate classification.

Dr. Peter K. Rogan Lab, Western University
No classification provided (evidence only). Condition: Uterine carcinosarcoma. Review status: no classification provided. Collection method: in vitro. Allele origin: not applicable. Functional consequence: retained intron. Not counted in ClinVar's aggregate classification.

Dr. Peter K. Rogan Lab, Western University
No classification provided (evidence only). Condition: Uterine carcinosarcoma. Review status: no classification provided. Collection method: in vitro. Allele origin: not applicable. Functional consequence: retained intron. Not counted in ClinVar's aggregate classification.

Dr. Peter K. Rogan Lab, Western University
No classification provided (evidence only). Condition: Malignant tumor of esophagus. Review status: no classification provided. Collection method: in vitro. Allele origin: not applicable. Functional consequence: retained intron. Not counted in ClinVar's aggregate classification.

Dr. Peter K. Rogan Lab, Western University
No classification provided (evidence only). Condition: Malignant tumor of esophagus. Review status: no classification provided. Collection method: in vitro. Allele origin: not applicable. Functional consequence: retained intron. Not counted in ClinVar's aggregate classification.

Dr. Peter K. Rogan Lab, Western University
No classification provided (evidence only). Condition: Hepatocellular carcinoma. Review status: no classification provided. Collection method: in vitro. Allele origin: not applicable. Functional consequence: retained intron. Not counted in ClinVar's aggregate classification.

Dr. Peter K. Rogan Lab, Western University
No classification provided (evidence only). Condition: Ovarian cancer. Review status: no classification provided. Collection method: in vitro. Allele origin: not applicable. Functional consequence: retained intron. Not counted in ClinVar's aggregate classification.